The following is an entry in ClinVar:

ClinVar aggregate classification (germline): Conflicting classifications of pathogenicity. Review status: criteria provided, conflicting classifications (1 of 4 stars). 2 submissions from 2 submitters: Uncertain significance (1); Likely benign (1). Last evaluated 2025-08-02.

Allele frequency attached by ClinVar (database versions not stated): gnomAD 0.00050; 1000 Genomes Project 0.00140; ExAC 0.00140; ESP Exome Variant Server 0.00388.
gnomAD v4.1: 4,340 of 1,535,148 alleles (0.28%); highest among the groups gnomAD compares: Non-Finnish European, 0.36%; 182 homozygotes.

Submissions (2):

Ambry Genetics
Classification: Uncertain significance. Last evaluated: 2025-08-02. Review status: criteria provided, single submitter. Criteria: Ambry Variant Classification Scheme 2023. Collection method: clinical testing. Allele origin: germline.

CeGaT Center for Human Genetics Tuebingen
Classification: Likely benign. Last evaluated: 2024-07-01. Review status: criteria provided, single submitter. Criteria: CeGaT Center For Human Genetics Tuebingen Variant Classification Criteria Version 2. Collection method: clinical testing. Allele origin: germline. Affected: yes. Observed: 2 variant alleles.
Comment: PRB3: BP4, BS2

NM_001394862.1(PRB3):c.796A>G (p.Lys266Glu)

Gene: PRB3 (proline rich protein BstNI subfamily 3; minus strand). Cytogenetic location: 12p13.2.
Variant type: single nucleotide variant.
Coding change: c.796A>G on transcript NM_001394862.1 (MANE Select); coding-DNA position 796, A replaced by G.
Protein change: p.Lys266Glu; replaces lysine 266 with glutamic acid.
Molecular consequence: missense variant.
Genome position (GRCh38, 1-based): chr12:11,267,453, T>C on the plus strand (A>G on the coding strand, the complement: PRB3 is on the minus strand). VCF-style: chr12-11267453-T-C. GRCh37 (hg19) VCF-style: chr12-11420387-T-C.
Other names: c.670A>G (NM_006249.4); c.670A>G, p.Lys224Glu (NM_006249.5); short protein forms K224E, K266E.
Identifiers: ClinVar variation 2642707 (VCV002642707.25), dbSNP rs191804141, ClinGen allele CA6452043.